The following is an entry in ClinVar:

ClinVar aggregate classification (germline): Uncertain significance (1 of 4 stars; one submission).

Conditions:
Gastrointestinal stromal tumor. Also called: Gastrointestinal stroma tumor; Gastrointestinal stromal tumor, somatic. Identifiers: Orphanet 44890, MedGen C0238198, MeSH D046152, MONDO:0011719, OMIM 606764, HP:0100723.

Submission:

Labcorp Genetics (formerly Invitae), Labcorp
Classification: Uncertain significance for Gastrointestinal stromal tumor. Last evaluated: 2022-01-26. Review status: criteria provided, single submitter. Criteria: Invitae Variant Classification Sherloc (09022015). Collection method: clinical testing. Allele origin: germline.
Comment: In summary, the available evidence is currently insufficient to determine the role of this variant in disease. Therefore, it has been classified as a Variant of Uncertain Significance. Algorithms developed to predict the effect of missense changes on protein structure and function output the following: SIFT: "Tolerated"; PolyPhen-2: "Benign"; Align-GVGD: "Class C0". The asparagine amino acid residue is found in multiple mammalian species, which suggests that this missense change does not adversely affect protein function. This variant has not been reported in the literature in individuals affected with PDGFRA-related conditions. This variant is not present in population databases (gnomAD no frequency). This sequence change replaces aspartic acid, which is acidic and polar, with asparagine, which is neutral and polar, at codon 452 of the PDGFRA protein (p.Asp452Asn).

NM_006206.6(PDGFRA):c.1354G>A (p.Asp452Asn)

Gene: PDGFRA (platelet derived growth factor receptor alpha; plus strand). Cytogenetic location: 4q12.
Variant type: single nucleotide variant.
Coding change: c.1354G>A on transcript NM_006206.6 (MANE Select); coding-DNA position 1354, G replaced by A.
Protein change: p.Asp452Asn; replaces aspartic acid 452 with asparagine.
Molecular consequence: missense variant.
Genome position (GRCh38, 1-based): chr4:54,272,510, G>A. VCF-style: chr4-54272510-G-A. GRCh37 (hg19) VCF-style: chr4-55138677-G-A.
Other names: c.1354G>A, p.Asp452Asn (NM_001347827.2, NM_001347829.2); c.1429G>A, p.Asp477Asn (NM_001347828.2); c.1393G>A, p.Asp465Asn (NM_001347830.2); short protein forms D452N, D477N, D465N.
Identifiers: ClinVar variation 2089749 (VCV002089749.4), dbSNP rs1204540280, ClinGen allele CA356892375.
Genomic context (GRCh38, chr4:54,272,510, plus strand): 5'-ACGGTGAGGTGCACAGCTGAAGGCACGCCGCTTCCTGATATTGAGTGGATGATATGCAAA[G>A]ATATTAAGAAGTATGGAAAACAGATGTGTCTTCTTCTTTCGTGGTCAGAATATTTCTCCC-3'
Protein context (NP_006197.1, residues 442-462): LPDIEWMICK[Asp452Asn]IKKCNNETSW